The following is an entry in ClinVar:

NC_012920.1(MT-CYB):m.15191T>A

Gene: MT-CYB (mitochondrially encoded cytochrome b; plus strand).
Variant type: single nucleotide variant.
Genome position: chrM-15191-T-A.
Identifiers: ClinVar variation 693837 (VCV000693837.1), dbSNP rs878912989, ClinGen allele CA913173199.
Genomic context (GRCh38, chrMT:15,191, plus strand): 5'-ATAGGCTATGTCCTCCCGTGAGGCCAAATATCATTCTGAGGGGCCACAGTAATTACAAAC[T>A]TACTATCCGCCATCCCATACATTGGGACAGACCTAGTTCAATGAATCTGAGGAGGCTACT-3'

ClinVar aggregate classification (germline): Uncertain significance (1 of 4 stars; one submission).

Conditions:
Leigh syndrome (NULS). Also called: Leigh's necrotizing encephalopathy; Leigh's disease; Leigh's syndrome; LEIGH SYNDROME, NUCLEAR; Leigh Syndrome (mtDNA deletion); Leigh Disease. Identifiers: Orphanet 506, MedGen C2931891, MONDO:0009723, OMIM 256000.

Submission:

Wong Mito Lab, Molecular and Human Genetics, Baylor College of Medicine
Classification: Uncertain significance for Leigh syndrome. Last evaluated: 2019-10-17. Review status: criteria provided, single submitter. Criteria: Modified ACMG Guidelines (Unpublished). Collection method: clinical testing. Allele origin: germline.
Comment: The NC_012920.1:m.15191T>A (YP_003024038.1:p.Leu149Met) variant in MTCYB gene is interpretated to be a Uncertain Significance variant based on the modified ACMG guidelines (unpublished). This variant meets the following evidence codes: BS1